The following is an entry in ClinVar:

ClinVar aggregate classification (germline): Likely benign. Review status: criteria provided, single submitter (1 of 4 stars). 2 submissions from 2 submitters: Likely benign (1). 1 of the submissions does not count toward it. Last evaluated 2024-02-21.

Conditions:
CENPF-related disorder. Also called: CENPF-related condition.

Allele frequency attached by ClinVar (database versions not stated): gnomAD 0.00001; ExAC 0.00002; gnomAD exomes 0.00002; TOPMed 0.00003; ESP Exome Variant Server 0.00008.
gnomAD v4.1: 23 of 1,614,000 alleles (0.0014%); highest among the groups gnomAD compares: Non-Finnish European, 0.0019%; no homozygotes.

Submissions (2):

Blueprint Genetics
Classification: Likely benign. Last evaluated: 2024-02-21. Review status: criteria provided, single submitter. Criteria: ACMG Guidelines, 2015. Collection method: clinical testing. Allele origin: germline.

PreventionGenetics, part of Exact Sciences
Classification: Likely benign for CENPF-related condition. Last evaluated: 2024-01-05. Review status: no assertion criteria provided. Collection method: clinical testing. Allele origin: germline. Not counted in ClinVar's aggregate classification.
Comment: This variant is classified as likely benign based on ACMG/AMP sequence variant interpretation guidelines (Richards et al. 2015 PMID: 25741868, with internal and published modifications).

NM_016343.4(CENPF):c.6990T>C (p.His2330=)

Gene: CENPF (centromere protein F; plus strand). Cytogenetic location: 1q41.
Variant type: single nucleotide variant.
Coding change: c.6990T>C on transcript NM_016343.4 (MANE Select); coding-DNA position 6990, T replaced by C.
Protein change: p.His2330=; no amino-acid change (histidine 2330 retained).
Molecular consequence: synonymous variant.
Genome position (GRCh38, 1-based): chr1:214,646,560, T>C. VCF-style: chr1-214646560-T-C. GRCh37 (hg19) VCF-style: chr1-214819903-T-C.
Identifiers: ClinVar variation 3031333 (VCV003031333.3), dbSNP rs138610661, ClinGen allele CA1391046.